The following is an entry in ClinVar:

NM_177438.3(DICER1):c.1935G>A (p.Pro645=)

Gene: DICER1 (dicer 1, ribonuclease III; minus strand). Cytogenetic location: 14q32.13.
Variant type: single nucleotide variant.
Coding change: c.1935G>A on transcript NM_177438.3 (MANE Select); coding-DNA position 1935, G replaced by A.
Protein change: p.Pro645=; no amino-acid change (proline 645 retained).
Molecular consequence: synonymous variant.
Genome position (GRCh38, 1-based): chr14:95,113,197, C>T on the plus strand (G>A on the coding strand, the complement: DICER1 is on the minus strand). VCF-style: chr14-95113197-C-T. GRCh37 (hg19) VCF-style: chr14-95579534-C-T.
Other names: p.Pro645=; c.1935G>A, p.Pro645= (NM_001195573.1, NM_001271282.3, NM_001291628.2 and 1 more transcripts).
Identifiers: ClinVar variation 221180 (VCV000221180.83), dbSNP rs61751177, ClinGen allele CA350467.

ClinVar aggregate classification (germline): Benign/Likely benign. Review status: criteria provided, multiple submitters, no conflicts (2 of 4 stars). 18 submissions from 18 submitters: Benign (13); Likely benign (2). 3 of the submissions do not count toward it. Last evaluated 2026-09-01.

Conditions:
DICER1-related tumor predisposition. Also called: DICER1-related pleuropulmonary blastoma cancer predisposition syndrome; DICER1 syndrome. Identifiers: Orphanet 284343, MedGen C3839822, MONDO:0100216.
Pleuropulmonary blastoma (PPB). Identifiers: Orphanet 64742, MedGen C1266144, MONDO:0011014, OMIM 601200, HP:0100528.
Hereditary cancer-predisposing syndrome. Also called: Neoplastic Syndromes, Hereditary; Tumor predisposition; Hereditary Cancer Syndrome; Hereditary neoplastic syndrome. Identifiers: Orphanet 140162, MedGen C0027672, MeSH D009386, MONDO:0015356.

Allele frequency attached by ClinVar (database versions not stated): 1000 Genomes Project 0.00379; 1000 Genomes Project 30x 0.00422; TOPMed 0.00753; gnomAD 0.00920 and 0.00958; ESP Exome Variant Server 0.00938; ExAC 0.00947; gnomAD exomes 0.00998 and 0.01025.

Submissions (18):

CeGaT Center for Human Genetics Tuebingen
Classification: Benign. Last evaluated: 2026-09-01. Review status: criteria provided, single submitter. Criteria: CeGaT Center For Human Genetics Tuebingen Variant Classification Criteria Version 2. Collection method: clinical testing. Allele origin: germline. Affected: yes. Observed: 157 variant alleles.
Comment: DICER1: BP4, BP7, BS1, BS2

Myriad Genetics, Inc.
Classification: Benign for DICER1-related tumor predisposition. Last evaluated: 2026-04-16. Review status: criteria provided, single submitter. Criteria: Myriad Autosomal Dominant, Autosomal Recessive and X-Linked Classification Criteria (2023). Collection method: clinical testing. Allele origin: unknown.
Comment: This variant is considered benign. This variant is a silent/synonymous amino acid change and it is not expected to impact splicing.

Labcorp Genetics (formerly Invitae), Labcorp
Classification: Benign for DICER1-related tumor predisposition. Last evaluated: 2026-02-03. Review status: criteria provided, single submitter. Criteria: Invitae Variant Classification Sherloc (09022015). Collection method: clinical testing. Allele origin: germline.

ARUP Laboratories, Molecular Genetics and Genomics, ARUP Laboratories
Classification: Benign. Last evaluated: 2025-06-03. Review status: criteria provided, single submitter. Criteria: ARUP Molecular Germline Variant Investigation Process 2024. Collection method: clinical testing. Allele origin: germline.

Quest Diagnostics Nichols Institute San Juan Capistrano
Classification: Benign. Last evaluated: 2025-04-04. Review status: criteria provided, single submitter. Criteria: Quest Diagnostics criteria. Collection method: clinical testing. Allele origin: unknown.

Center for Genomic Medicine, Rigshospitalet, Copenhagen University Hospital
Classification: Benign. Last evaluated: 2025-03-04. Review status: criteria provided, single submitter. Criteria: ACMG Guidelines, 2015. Collection method: clinical testing. Allele origin: germline.

Blueprint Genetics
Classification: Likely benign. Last evaluated: 2024-11-26. Review status: criteria provided, single submitter. Criteria: ACMG Guidelines, 2015. Collection method: clinical testing. Allele origin: germline.

Mayo Clinic Laboratories, Mayo Clinic
Classification: Benign. Last evaluated: 2024-07-01. Review status: criteria provided, single submitter. Criteria: ACMG Guidelines, 2015. Collection method: clinical testing. Allele origin: germline. Observed: 15 variant alleles.
Comment: BA1, BS2, BP4, BP7

KCCC/NGS Laboratory, Kuwait Cancer Control Center
Classification: Benign for Pleuropulmonary blastoma. Last evaluated: 2023-07-07. Review status: criteria provided, single submitter. Criteria: ACMG Guidelines, 2015. Collection method: clinical testing. Allele origin: germline. Affected: yes.

Department of Pathology and Laboratory Medicine, Sinai Health System
Classification: Benign for DICER1-related tumor predisposition. Last evaluated: 2022-07-13. Review status: criteria provided, single submitter. Criteria: ACMG Guidelines, 2015. Collection method: clinical testing. Allele origin: germline. Affected: yes.

Illumina Laboratory Services, Illumina
Classification: Benign for Pleuropulmonary blastoma. Last evaluated: 2018-01-13. Review status: criteria provided, single submitter. Criteria: ICSL Variant Classification Criteria 13 December 2019. Collection method: clinical testing. Allele origin: germline.
Comment: This variant was observed in the ICSL laboratory as part of a predisposition screen in an ostensibly healthy population. It had not been previously curated by ICSL or reported in the Human Gene Mutation Database (HGMD: prior to June 1st, 2018), and was therefore a candidate for classification through an automated scoring system. Utilizing variant allele frequency, disease prevalence and penetrance estimates, and inheritance mode, an automated score was calculated to assess if this variant is too frequent to cause the disease. Based on the score and internal cut-off values, a variant classified as benign is not then subjected to further curation. The score for this variant resulted in a classification of benign for this disease.

GeneDx
Classification: Benign. Last evaluated: 2017-05-10. Review status: criteria provided, single submitter. Criteria: GeneDx Variant Classification (06012015). Collection method: clinical testing. Allele origin: germline. Affected: yes.
Comment: This variant is considered likely benign or benign based on one or more of the following criteria: it is a conservative change, it occurs at a poorly conserved position in the protein, it is predicted to be benign by multiple in silico algorithms, and/or has population frequency not consistent with disease.

PreventionGenetics, part of Exact Sciences
Classification: Benign. Last evaluated: 2017-01-31. Review status: criteria provided, single submitter. Criteria: ACMG Guidelines, 2015. Collection method: clinical testing. Allele origin: germline.

Ambry Genetics
Classification: Benign for Hereditary cancer-predisposing syndrome. Last evaluated: 2016-04-21. Review status: criteria provided, single submitter. Criteria: Ambry Variant Classification Scheme 2023. Collection method: clinical testing. Allele origin: germline.

Breakthrough Genomics
Classification: Likely benign. Review status: criteria provided, single submitter. Criteria: ACMG Guidelines, 2015. Collection method: not provided. Allele origin: germline. Inheritance: Autosomal dominant inheritance. Affected: yes.

Clinical Genetics DNA and cytogenetics Diagnostics Lab, Erasmus MC, Erasmus Medical Center
Classification: Benign. Review status: no assertion criteria provided. Collection method: clinical testing. Allele origin: germline. Affected: yes. Study: VKGL Data-share Consensus. Not counted in ClinVar's aggregate classification.

Genome Diagnostics Laboratory, Amsterdam University Medical Center
Classification: Benign. Review status: no assertion criteria provided. Collection method: clinical testing. Allele origin: germline. Affected: yes. Study: VKGL Data-share Consensus. Not counted in ClinVar's aggregate classification.

Laboratory of Diagnostic Genome Analysis, Leiden University Medical Center (LUMC)
Classification: Benign. Review status: no assertion criteria provided. Collection method: clinical testing. Allele origin: germline. Affected: yes. Study: VKGL Data-share Consensus. Not counted in ClinVar's aggregate classification.

Literature cited by the submitters: PubMed 23547758 (cited by Quest Diagnostics Nichols Institute San Juan Capistrano); PubMed 25022261 (cited by Quest Diagnostics Nichols Institute San Juan Capistrano); PubMed 23620094 (cited by Quest Diagnostics Nichols Institute San Juan Capistrano); PubMed 32714280 (cited by Quest Diagnostics Nichols Institute San Juan Capistrano).